The following is an entry in ClinVar:

NM_024301.5(FKRP):c.1303del (p.His435fs)

Gene: FKRP (fukutin related protein; plus strand). Cytogenetic location: 19q13.32.
Variant type: Deletion.
Coding change: c.1303del on transcript NM_024301.5 (MANE Select); coding-DNA position 1303, one base deleted (C; older notation c.1303delC).
Protein change: p.His435fs; shifts the reading frame from histidine 435.
Molecular consequence: frameshift variant.
Genome position (GRCh38, 1-based): chr19:46,756,753, C deleted; the last of 2 consecutive C bases (chr19:46,756,752-46,756,753); deleting either gives the same sequence. VCF-style (leftmost placement, unchanged base first): chr19-46756751-AC-A. GRCh37 (hg19) VCF-style: chr19-47260008-AC-A.
Other names: c.1303del, p.His435fs (NM_001039885.3); short protein forms H435fs.
Identifiers: ClinVar variation 4721651 (VCV004721651.1).

ClinVar aggregate classification (germline): Pathogenic (1 of 4 stars; one submission).

Conditions:
Walker-Warburg congenital muscular dystrophy. Also called: Muscular dystrophy-dystroglycanopathy, type A; Walker-Warburg syndrome. Identifiers: Orphanet 899, MedGen C0265221, MONDO:0000171.

Submission:

Labcorp Genetics (formerly Invitae), Labcorp
Classification: Pathogenic for Walker-Warburg congenital muscular dystrophy. Last evaluated: 2025-06-18. Review status: criteria provided, single submitter. Criteria: Invitae Variant Classification Sherloc (09022015). Collection method: clinical testing. Allele origin: germline.
Comment: This sequence change creates a premature translational stop signal (p.His435Thrfs*55) in the FKRP gene. While this is not anticipated to result in nonsense mediated decay, it is expected to disrupt the last 61 amino acid(s) of the FKRP protein. This variant is not present in population databases (gnomAD no frequency). This variant has not been reported in the literature in individuals affected with FKRP-related conditions. This variant disrupts a region of the FKRP protein in which other variant(s) (p.Ile478Thr) have been determined to be pathogenic (PMID: 16476814, 18639457, 19299310). This suggests that this is a clinically significant region of the protein, and that variants that disrupt it are likely to be disease-causing. For these reasons, this variant has been classified as Pathogenic.

Literature cited by the submitters: PubMed 16476814; PubMed 18639457; PubMed 19299310.